The following is an entry in ClinVar:

ClinVar aggregate classification (germline): Uncertain significance (1 of 4 stars; one submission).

Conditions:
Cardiovascular phenotype. Identifiers: MedGen CN230736.

Submission:

Ambry Genetics
Classification: Uncertain significance for Cardiovascular phenotype. Last evaluated: 2026-03-12. Review status: criteria provided, single submitter. Criteria: Ambry Variant Classification Scheme 2023. Collection method: clinical testing. Allele origin: germline.
Comment: The p.P102L variant (also known as c.305C>T), located in coding exon 1 of the MYPN gene, results from a C to T substitution at nucleotide position 305. The proline at codon 102 is replaced by leucine, an amino acid with similar properties. This amino acid position is conserved. In addition, this alteration is predicted to be tolerated by in silico analysis. Based on the available evidence, the clinical significance of this variant remains unclear.

NM_032578.4(MYPN):c.305C>T (p.Pro102Leu)

Gene: MYPN (myopalladin; plus strand). Cytogenetic location: 10q21.3.
Variant type: single nucleotide variant.
Coding change: c.305C>T on transcript NM_032578.4 (MANE Select); coding-DNA position 305, C replaced by T.
Protein change: p.Pro102Leu; replaces proline 102 with leucine.
Molecular consequence: missense variant. On other transcripts: 5 prime UTR variant (1), non-coding transcript variant (1).
Genome position (GRCh38, 1-based): chr10:68,121,743, C>T. VCF-style: chr10-68121743-C-T. GRCh37 (hg19) VCF-style: chr10-69881500-C-T.
Other names: c.305C>T, p.Pro102Leu (NM_001256267.2); c.-818C>T (NM_001256268.2); short protein forms P102L.
Identifiers: ClinVar variation 4826163 (VCV004826163.1).